The following is an entry in ClinVar:

ClinVar aggregate classification (germline): Uncertain significance (1 of 4 stars; one submission).

Allele frequency attached by ClinVar (database versions not stated): gnomAD exomes below 0.00001.
gnomAD v4.1: 2 of 1,614,130 alleles (0.00012%); highest among the groups gnomAD compares: Non-Finnish European, 0.00017%; no homozygotes.

Submission:

Labcorp Genetics (formerly Invitae), Labcorp
Classification: Uncertain significance. Last evaluated: 2022-07-01. Review status: criteria provided, single submitter. Criteria: Invitae Variant Classification Sherloc (09022015). Collection method: clinical testing. Allele origin: germline.
Comment: This variant is not present in population databases (gnomAD no frequency). Algorithms developed to predict the effect of sequence changes on RNA splicing suggest that this variant may create or strengthen a splice site. In summary, the available evidence is currently insufficient to determine the role of this variant in disease. Therefore, it has been classified as a Variant of Uncertain Significance. Algorithms developed to predict the effect of missense changes on protein structure and function are either unavailable or do not agree on the potential impact of this missense change (SIFT: "Deleterious"; PolyPhen-2: "Probably Damaging"; Align-GVGD: "Class C0"). This variant has not been reported in the literature in individuals affected with INPPL1-related conditions. This sequence change replaces glutamine, which is neutral and polar, with histidine, which is basic and polar, at codon 371 of the INPPL1 protein (p.Gln371His).

NM_001567.4(INPPL1):c.1113G>C (p.Gln371His)

Gene: INPPL1 (inositol polyphosphate phosphatase like 1; plus strand). Cytogenetic location: 11q13.4.
Variant type: single nucleotide variant.
Coding change: c.1113G>C on transcript NM_001567.4 (MANE Select); coding-DNA position 1113, G replaced by C.
Protein change: p.Gln371His; replaces glutamine 371 with histidine.
Molecular consequence: missense variant.
Genome position (GRCh38, 1-based): chr11:72,230,384, G>C. VCF-style: chr11-72230384-G-C. GRCh37 (hg19) VCF-style: chr11-71941428-G-C.
Other names: short protein forms Q371H.
Identifiers: ClinVar variation 1981070 (VCV001981070.4), dbSNP rs2539203856, ClinGen allele CA381725144.